The following is an entry in ClinVar:

NM_001105206.3(LAMA4):c.2849C>T (p.Pro950Leu)

Genes: LAMA4 (laminin subunit alpha 4; minus strand), LOC126859766 (MED14-independent group 3 enhancer GRCh37_chr6:112462018-112463217; plus strand). Cytogenetic location: 6q21.
Variant type: single nucleotide variant.
Coding change: c.2849C>T on transcript NM_001105206.3 (MANE Select); coding-DNA position 2849, C replaced by T.
Protein change: p.Pro950Leu; replaces proline 950 with leucine.
Molecular consequence: missense variant.
Genome position (GRCh38, 1-based): chr6:112,140,887, G>A on the plus strand (C>T on the coding strand, the complement: LAMA4 is on the minus strand). VCF-style: chr6-112140887-G-A. GRCh37 (hg19) VCF-style: chr6-112462089-G-A.
Other names: c.2828C>T (LRG_433t2); c.2828C>T, p.Pro943Leu (NM_001105207.3, NM_002290.5); short protein forms P943L, P950L.
Identifiers: ClinVar variation 50370 (VCV000050370.4), dbSNP rs387907365, ClinGen allele CA143749.

ClinVar aggregate classification (germline): Uncertain significance. Review status: criteria provided, single submitter (1 of 4 stars). 2 submissions from 2 submitters: Uncertain significance (1). 1 of the submissions does not count toward it. Last evaluated 2023-05-22.

Conditions:
Dilated cardiomyopathy 1JJ (CMD1JJ). Identifiers: Orphanet 154, MedGen C3808935, MONDO:0014095, OMIM 615235.

Allele frequency attached by ClinVar (database versions not stated): gnomAD 0.00001; TOPMed 0.00001; ExAC 0.00002; gnomAD exomes 0.00002.

Submissions (2):

Labcorp Genetics (formerly Invitae), Labcorp
Classification: Uncertain significance for Dilated cardiomyopathy 1JJ. Last evaluated: 2023-05-22. Review status: criteria provided, single submitter. Criteria: Invitae Variant Classification Sherloc (09022015). Collection method: clinical testing. Allele origin: germline.
Comment: In summary, the available evidence is currently insufficient to determine the role of this variant in disease. Therefore, it has been classified as a Variant of Uncertain Significance. Experimental studies have shown that this missense change affects LAMA4 function (PMID: 17646580). An algorithm developed to predict the effect of missense changes on protein structure and function (PolyPhen-2) suggests that this variant is likely to be disruptive. ClinVar contains an entry for this variant (Variation ID: 50370). This variant is also known as c.2849C>T (p.Pro950Leu). This missense change has been observed in individual(s) with clinical features of LAMA4-related conditions (PMID: 17646580, 31514951). This variant is present in population databases (rs387907365, gnomAD 0.004%). This sequence change replaces proline, which is neutral and non-polar, with leucine, which is neutral and non-polar, at codon 943 of the LAMA4 protein (p.Pro943Leu).

OMIM
Classification: Pathogenic for CARDIOMYOPATHY, DILATED, 1JJ. Last evaluated: 2007-07-31. Review status: no assertion criteria provided. Collection method: literature only. Allele origin: germline. Not counted in ClinVar's aggregate classification.

Literature cited by the submitters: PubMed 17646580 (cited by Labcorp Genetics (formerly Invitae), Labcorp and OMIM); PubMed 31514951 (cited by Labcorp Genetics (formerly Invitae), Labcorp).